The following is an entry in ClinVar:

NM_004168.4(SDHA):c.691dup (p.Cys231fs)

Gene: SDHA (succinate dehydrogenase complex flavoprotein subunit A; plus strand). Cytogenetic location: 5p15.33.
Variant type: Duplication.
Coding change: c.691dup on transcript NM_004168.4 (MANE Select); coding-DNA position 691, one base duplicated (T; older notation c.691dupT).
Protein change: p.Cys231fs; shifts the reading frame from cysteine 231.
Molecular consequence: frameshift variant.
Genome position (GRCh38, 1-based): chr5:228,254, T duplicated. VCF-style (leftmost placement, unchanged base first): chr5-228253-G-GT. GRCh37 (hg19) VCF-style: chr5-228368-G-GT.
Other names: c.547dup, p.Cys183fs (NM_001294332.2); c.691dup, p.Cys231fs (NM_001330758.2); short protein forms C183fs, C231fs.
Identifiers: ClinVar variation 826703 (VCV000826703.6), dbSNP rs1579391225, ClinGen allele CA915943259.

ClinVar aggregate classification (germline): Pathogenic. Review status: criteria provided, multiple submitters, no conflicts (2 of 4 stars). 2 submissions from 2 submitters: Pathogenic (2). Last evaluated 2025-10-20.

Conditions:
Pheochromocytoma/paraganglioma syndrome 5. Also called: Paragangliomas 5; SDHA-Related Hereditary Paraganglioma-Pheochromocytoma Syndrome. Identifiers: Orphanet 29072, MedGen C3279992, MONDO:0013602, OMIM 614165.
Mitochondrial complex II deficiency, nuclear type 1. Also called: SUCCINATE CoQ REDUCTASE DEFICIENCY. Identifiers: Orphanet 3208, MedGen C5700310, MONDO:0100294, OMIM 252011.
Hereditary cancer-predisposing syndrome. Also called: Tumor predisposition; Hereditary neoplastic syndrome; Neoplastic Syndromes, Hereditary; Hereditary Cancer Syndrome. Identifiers: Orphanet 140162, MedGen C0027672, MeSH D009386, MONDO:0015356.

Submissions (2):

Labcorp Genetics (formerly Invitae), Labcorp
Classification: Pathogenic for Pheochromocytoma/paraganglioma syndrome 5; Mitochondrial complex II deficiency, nuclear type 1. Last evaluated: 2025-10-20. Review status: criteria provided, single submitter. Criteria: Invitae Variant Classification Sherloc (09022015). Collection method: clinical testing. Allele origin: germline.
Comment: This sequence change creates a premature translational stop signal (p.Cys231Leufs*90) in the SDHA gene. It is expected to result in an absent or disrupted protein product. Loss-of-function variants in SDHA are known to be pathogenic (PMID: 22974104, 24781757). This variant is not present in population databases (gnomAD no frequency). This variant has not been reported in the literature in individuals affected with SDHA-related conditions. ClinVar contains an entry for this variant (Variation ID: 826703). For these reasons, this variant has been classified as Pathogenic.

Ambry Genetics
Classification: Pathogenic for Hereditary cancer-predisposing syndrome. Last evaluated: 2018-02-02. Review status: criteria provided, single submitter. Criteria: Ambry Variant Classification Scheme 2023. Collection method: clinical testing. Allele origin: germline.
Comment: The c.691dupT variant, located in coding exon 6 of the SDHA gene, results from a duplication of T at nucleotide position 691, causing a translational frameshift with a predicted alternate stop codon (p.C231Lfs*90). This alteration is expected to result in loss of function by premature protein truncation or nonsense-mediated mRNA decay. As such, this alteration is interpreted as a disease-causing mutation.

Literature cited by the submitters: PubMed 22974104 (cited by Labcorp Genetics (formerly Invitae), Labcorp); PubMed 24781757 (cited by Labcorp Genetics (formerly Invitae), Labcorp).